The following is an entry in ClinVar:

NM_012186.3(FOXE3):c.311G>C (p.Arg104Pro)

Genes: FOXE3 (forkhead box E3; plus strand), LINC01389 (long independently transcribed non-coding RNA 1389; minus strand). Cytogenetic location: 1p33.
Variant type: single nucleotide variant.
Coding change: c.311G>C on transcript NM_012186.3 (MANE Select); coding-DNA position 311, G replaced by C.
Protein change: p.Arg104Pro; replaces arginine 104 with proline.
Molecular consequence: missense variant.
Genome position (GRCh38, 1-based): chr1:47,416,626, G>C. VCF-style: chr1-47416626-G-C. GRCh37 (hg19) VCF-style: chr1-47882298-G-C.
Other names: short protein forms R104P.
Identifiers: ClinVar variation 2933991 (VCV002933991.3), dbSNP rs779431323, ClinGen allele CA842936.

ClinVar aggregate classification (germline): Uncertain significance (1 of 4 stars; one submission).

Conditions:
Anterior segment dysgenesis. Also called: Ocular anterior segment dysgenesis. Identifiers: Orphanet 88632, MedGen C1862839, MONDO:0019503, HP:0007700.
Congenital primary aphakia. Also called: Anterior segment dysgenesis 2, multiple subtypes; ANTERIOR SEGMENT DYSGENESIS 2. Identifiers: Orphanet 83461, MedGen C1853230, MONDO:0012456, OMIM 610256.

Allele frequency attached by ClinVar (database versions not stated): gnomAD 0.00001; ExAC 0.00002; TOPMed 0.00003.
gnomAD v4.1: 2 of 1,609,620 alleles (0.00012%); highest among the groups gnomAD compares: African/African-American, 0.0027%; no homozygotes.

Submission:

Labcorp Genetics (formerly Invitae), Labcorp
Classification: Uncertain significance for Anterior segment dysgenesis; Congenital primary aphakia. Last evaluated: 2023-02-22. Review status: criteria provided, single submitter. Criteria: Invitae Variant Classification Sherloc (09022015). Collection method: clinical testing. Allele origin: germline.
Comment: In summary, the available evidence is currently insufficient to determine the role of this variant in disease. Therefore, it has been classified as a Variant of Uncertain Significance. Advanced modeling of protein sequence and biophysical properties (such as structural, functional, and spatial information, amino acid conservation, physicochemical variation, residue mobility, and thermodynamic stability) performed at Invitae indicates that this missense variant is expected to disrupt FOXE3 protein function. This variant has not been reported in the literature in individuals affected with FOXE3-related conditions. This variant is present in population databases (rs779431323, gnomAD 0.02%). This sequence change replaces arginine, which is basic and polar, with proline, which is neutral and non-polar, at codon 104 of the FOXE3 protein (p.Arg104Pro).